The following is an entry in ClinVar:

NM_001211.6(BUB1B):c.197T>C (p.Ile66Thr)

Gene: BUB1B (BUB1 mitotic checkpoint serine/threonine kinase B; plus strand). Cytogenetic location: 15q15.1.
Variant type: single nucleotide variant.
Coding change: c.197T>C on transcript NM_001211.6 (MANE Select); coding-DNA position 197, T replaced by C.
Protein change: p.Ile66Thr; replaces isoleucine 66 with threonine.
Molecular consequence: missense variant.
Genome position (GRCh38, 1-based): chr15:40,170,079, T>C. VCF-style: chr15-40170079-T-C. GRCh37 (hg19) VCF-style: chr15-40462280-T-C.
Other names: short protein forms I66T.
Identifiers: ClinVar variation 3483123 (VCV003483123.1).

ClinVar aggregate classification (germline): Uncertain significance (1 of 4 stars; one submission).

Conditions:
Inborn genetic diseases. Identifiers: MedGen C0950123, MeSH D030342.

Submission:

Ambry Genetics
Classification: Uncertain significance for Inborn genetic diseases. Last evaluated: 2024-12-08. Review status: criteria provided, single submitter. Criteria: Ambry Variant Classification Scheme 2023. Collection method: clinical testing. Allele origin: germline.
Comment: The p.I66T variant (also known as c.197T>C), located in coding exon 3 of the BUB1B gene, results from a T to C substitution at nucleotide position 197. The isoleucine at codon 66 is replaced by threonine, an amino acid with similar properties. This amino acid position is conserved. In addition, the in silico prediction for this alteration is inconclusive. Based on the available evidence, the clinical significance of this variant remains unclear.